The following is an entry in ClinVar:

ClinVar aggregate classification (germline): Likely benign. Review status: criteria provided, multiple submitters, no conflicts (2 of 4 stars). 2 submissions from 2 submitters: Likely benign (2). Last evaluated 2024-11-03.

Conditions:
Ataxia-telangiectasia syndrome (AT). Also called: AT, COMPLEMENTATION GROUP C; Ataxia-telangiectasia, complementation group D; ATAXIA-TELANGIECTASIA, COMPLEMENTATION GROUP A; ATAXIA-TELANGIECTASIA, FRESNO VARIANT; Ataxia-telangiectasia; Ataxia-telangiectasia, complementation group E. Identifiers: Orphanet 100, MedGen C0004135, MONDO:0008840, OMIM 208900.
Familial cancer of breast. Also called: hereditary breast carcinoma; BREAST CANCER, FAMILIAL; Hereditary breast cancer. Identifiers: Orphanet 227535, MedGen C0346153, MONDO:0016419, OMIM 114480. Disease mechanism: loss of function.

Submissions (2):

Labcorp Genetics (formerly Invitae), Labcorp
Classification: Likely benign for Ataxia-telangiectasia syndrome. Last evaluated: 2024-11-03. Review status: criteria provided, single submitter. Criteria: Invitae Variant Classification Sherloc (09022015). Collection method: clinical testing. Allele origin: germline.

Myriad Genetics, Inc.
Classification: Likely benign for Familial cancer of breast. Last evaluated: 2024-06-20. Review status: criteria provided, single submitter. Criteria: Myriad Autosomal Dominant, Autosomal Recessive and X-Linked Classification Criteria (2023). Collection method: clinical testing. Allele origin: unknown.
Comment: This variant is considered likely benign. This variant is intronic and is not expected to impact mRNA splicing.

NM_000051.4(ATM):c.8672-13T>C

Genes: ATM (ATM serine/threonine kinase; plus strand), C11orf65 (chromosome 11 open reading frame 65; minus strand). Cytogenetic location: 11q22.3.
Variant type: single nucleotide variant.
Coding change: c.8672-13T>C on transcript NM_000051.4 (MANE Select); 13 bases into the intron before coding-DNA position 8672, T replaced by C.
Molecular consequence: intron variant.
Genome position (GRCh38, 1-based): chr11:108,353,753, T>C. VCF-style: chr11-108353753-T-C. GRCh37 (hg19) VCF-style: chr11-108224480-T-C.
Other names: c.8672-13T>C (NM_001351834.2); c.640+32167A>G (NM_001330368.2); c.695-18461A>G (NM_001351110.2).
Identifiers: ClinVar variation 3253759 (VCV003253759.3), dbSNP rs730881280.